The following is an entry in ClinVar:

NM_018206.6(VPS35):c.161G>A (p.Arg54Gln)

Gene: VPS35 (VPS35 retromer complex component; minus strand). Cytogenetic location: 16q11.2.
Variant type: single nucleotide variant.
Coding change: c.161G>A on transcript NM_018206.6 (MANE Select); coding-DNA position 161, G replaced by A.
Protein change: p.Arg54Gln; replaces arginine 54 with glutamine.
Molecular consequence: missense variant.
Genome position (GRCh38, 1-based): chr16:46,682,117, C>T on the plus strand (G>A on the coding strand, the complement: VPS35 is on the minus strand). VCF-style: chr16-46682117-C-T. GRCh37 (hg19) VCF-style: chr16-46716029-C-T.
Other names: short protein forms R54Q.
Identifiers: ClinVar variation 3730565 (VCV003730565.2).
Genomic context (GRCh38, chr16:46,682,117, plus strand): 5'-GTCTTCAACATTCAAAAGATACAAAGTTCATAGTAACTCTTTGGTGATAACATAGAAGTC[C>T]GGAGTTCACCAAGCATATTAGAAGCATGTTTTAGAGCATCCATAAGCTTGTTTTTGTCCT-3'
Protein context (NP_060676.2, residues 44-64): KHASNMLGEL[Arg54Gln]TSMLSPKSYY

ClinVar aggregate classification (germline): Uncertain significance (1 of 4 stars; one submission).

Conditions:
Parkinson disease 17 (PARK17). Also called: VPS35-Related Parkinson Disease. Identifiers: Orphanet 411602, MedGen C3280133, MONDO:0013625, OMIM 614203.

Submission:

Labcorp Genetics (formerly Invitae), Labcorp
Classification: Uncertain significance for Parkinson disease 17. Last evaluated: 2025-08-04. Review status: criteria provided, single submitter. Criteria: Invitae Variant Classification Sherloc (09022015). Collection method: clinical testing. Allele origin: germline.
Comment: This sequence change replaces arginine, which is basic and polar, with glutamine, which is neutral and polar, at codon 54 of the VPS35 protein (p.Arg54Gln). This variant is present in population databases (rs770464667, gnomAD 0.004%). This variant has not been reported in the literature in individuals affected with VPS35-related conditions. ClinVar contains an entry for this variant (Variation ID: 3730565). Invitae Evidence Modeling of protein sequence and biophysical properties (such as structural, functional, and spatial information, amino acid conservation, physicochemical variation, residue mobility, and thermodynamic stability) indicates that this missense variant is expected to disrupt VPS35 protein function with a positive predictive value of 80%. Algorithms developed to predict the effect of sequence changes on RNA splicing suggest that this variant may disrupt the consensus splice site. In summary, the available evidence is currently insufficient to determine the role of this variant in disease. Therefore, it has been classified as a Variant of Uncertain Significance.